The following is an entry in ClinVar:

ClinVar aggregate classification (germline): Uncertain significance (1 of 4 stars; one submission).

Conditions:
Pierson syndrome. Also called: MICROCORIA-CONGENITAL NEPHROTIC SYNDROME. Identifiers: Orphanet 2670, MedGen C1836876, MONDO:0012184, OMIM 609049.

Submission:

Precision Medicine Center, Zhengzhou University
Classification: Uncertain significance for Pierson syndrome. Last evaluated: 2023-12-01. Review status: criteria provided, single submitter. Criteria: ACMG Guidelines, 2015. Collection method: clinical testing. Allele origin: maternal. Affected: yes.
Comment: PM2_p,PM3,PP3

NM_002292.4(LAMB2):c.1066T>A (p.Cys356Ser)

Gene: LAMB2 (laminin subunit beta 2; minus strand). Cytogenetic location: 3p21.31.
Variant type: single nucleotide variant.
Coding change: c.1066T>A on transcript NM_002292.4 (MANE Select); coding-DNA position 1066, T replaced by A.
Protein change: p.Cys356Ser; replaces cysteine 356 with serine.
Molecular consequence: missense variant.
Genome position (GRCh38, 1-based): chr3:49,130,390, A>T on the plus strand (T>A on the coding strand, the complement: LAMB2 is on the minus strand). VCF-style: chr3-49130390-A-T. GRCh37 (hg19) VCF-style: chr3-49167823-A-T.
Other names: short protein forms C356S.
Identifiers: ClinVar variation 2681761 (VCV002681761.2), dbSNP rs2472553840.